The following is an entry in ClinVar:

ClinVar aggregate classification (germline): Uncertain significance (1 of 4 stars; one submission).

Submission:

Labcorp Genetics (formerly Invitae), Labcorp
Classification: Uncertain significance. Last evaluated: 2025-03-27. Review status: criteria provided, single submitter. Criteria: Invitae Variant Classification Sherloc (09022015). Collection method: clinical testing. Allele origin: germline.
Comment: This sequence change replaces phenylalanine, which is neutral and non-polar, with valine, which is neutral and non-polar, at codon 449 of the TBX18 protein (p.Phe449Val). This variant is not present in population databases (gnomAD no frequency). This variant has not been reported in the literature in individuals affected with TBX18-related conditions. Invitae Evidence Modeling of protein sequence and biophysical properties (such as structural, functional, and spatial information, amino acid conservation, physicochemical variation, residue mobility, and thermodynamic stability) indicates that this missense variant is not expected to disrupt TBX18 protein function with a negative predictive value of 80%. In summary, the available evidence is currently insufficient to determine the role of this variant in disease. Therefore, it has been classified as a Variant of Uncertain Significance.

NM_001080508.3(TBX18):c.1345T>G (p.Phe449Val)

Gene: TBX18 (T-box transcription factor 18; minus strand). Cytogenetic location: 6q14.3.
Variant type: single nucleotide variant.
Coding change: c.1345T>G on transcript NM_001080508.3 (MANE Select); coding-DNA position 1345, T replaced by G.
Protein change: p.Phe449Val; replaces phenylalanine 449 with valine.
Molecular consequence: missense variant.
Genome position (GRCh38, 1-based): chr6:84,737,164, A>C on the plus strand (T>G on the coding strand, the complement: TBX18 is on the minus strand). VCF-style: chr6-84737164-A-C. GRCh37 (hg19) VCF-style: chr6-85446882-A-C.
Other names: short protein forms F449V.
Identifiers: ClinVar variation 4769416 (VCV004769416.1).